The following is an entry in ClinVar:

NM_017934.7(PHIP):c.29A>C (p.Glu10Ala)

Genes: PHIP (PHIP subunit of CUL4-Ring ligase complex; minus strand), LOC129996745 (ATAC-STARR-seq lymphoblastoid silent region 17346; plus strand). Cytogenetic location: 6q14.1.
Variant type: single nucleotide variant.
Coding change: c.29A>C on transcript NM_017934.7 (MANE Select); coding-DNA position 29, A replaced by C.
Protein change: p.Glu10Ala; replaces glutamic acid 10 with alanine.
Molecular consequence: missense variant.
Genome position (GRCh38, 1-based): chr6:79,078,040, T>G on the plus strand (A>C on the coding strand, the complement: PHIP is on the minus strand). VCF-style: chr6-79078040-T-G. GRCh37 (hg19) VCF-style: chr6-79787757-T-G.
Other names: short protein forms E10A.
Identifiers: ClinVar variation 1710908 (VCV001710908.2), dbSNP rs2482429014, ClinGen allele CA364652679.

ClinVar aggregate classification (germline): Uncertain significance (1 of 4 stars; one submission).

Submission:

GeneDx
Classification: Uncertain significance. Last evaluated: 2022-04-13. Review status: criteria provided, single submitter. Criteria: GeneDx Variant Classification Process June 2021. Collection method: clinical testing. Allele origin: germline. Affected: yes.
Comment: Not observed at significant frequency in large population cohorts (gnomAD); In silico analysis supports that this missense variant does not alter protein structure/function; Has not been previously published as pathogenic or benign to our knowledge